The following is an entry in ClinVar:

NM_001356.5(DDX3X):c.53G>A (p.Gly18Asp)

Gene: DDX3X (DEAD-box helicase 3 X-linked; plus strand). Cytogenetic location: Xp11.4.
Variant type: single nucleotide variant.
Coding change: c.53G>A on transcript NM_001356.5 (MANE Select); coding-DNA position 53, G replaced by A.
Protein change: p.Gly18Asp; replaces glycine 18 with aspartic acid.
Molecular consequence: missense variant. On other transcripts: 5 prime UTR variant (1), non-coding transcript variant (2).
Genome position (GRCh38, 1-based): chrX:41,337,415, G>A. VCF-style: chrX-41337415-G-A. GRCh37 (hg19) VCF-style: chrX-41196668-G-A.
Other names: c.53G>A, p.Gly18Asp (NM_001193416.3, NM_001193417.3); c.-1851G>A (NM_001363819.1); short protein forms G18D.
Identifiers: ClinVar variation 3361445 (VCV003361445.1).
Genomic context (GRCh38, chrX:41,337,415, plus strand): 5'-TCTTAATGTAGTATTTGAGCACATGGGGTGCTAACCATCTCACTCTCTTCTAGTTTGCTG[G>A]CCTAGACCTGAACTCTTCAGATAATCAGAGTGGAGGAAGTACAGCCAGCAGTAAGTACAA-3'
Protein context (NP_001347.3, residues 8-28): NALGLDQQFA[Gly18Asp]LDLNSSDNQS

ClinVar aggregate classification (germline): Uncertain significance (1 of 4 stars; one submission).

Submission:

GeneDx
Classification: Uncertain significance. Last evaluated: 2023-07-29. Review status: criteria provided, single submitter. Criteria: GeneDx Variant Classification Process June 2021. Collection method: clinical testing. Allele origin: germline. Affected: yes.
Comment: Not observed at significant frequency in large population cohorts (gnomAD); In silico analysis supports that this missense variant has a deleterious effect on protein structure/function; Has not been previously published as pathogenic or benign to our knowledge